The following is an entry in ClinVar:

ClinVar aggregate classification (germline): Conflicting classifications of pathogenicity. Review status: criteria provided, conflicting classifications (1 of 4 stars). 5 submissions from 5 submitters: Uncertain significance (4); Likely benign (1). Last evaluated 2026-09-03.

Conditions:
Neuronopathy, distal hereditary motor, type 7A. Also called: Neuronopathy, distal hereditary motor, type viia; Neuronopathy, distal hereditary motor, autosomal dominant 7; HARPER-YOUNG MYOPATHY; HMN VIIA; SPINAL MUSCULAR ATROPHY, DISTAL, WITH VOCAL CORD PARALYSIS; NEURONOPATHY, DISTAL HEREDITARY MOTOR, HARDING TYPE VIIA. Identifiers: Orphanet 139589, MedGen C1834703, MONDO:0008024, OMIM 158580.
Congenital myasthenic syndrome 20. Also called: Myasthenic syndrome, congenital, 20, presynaptic. Identifiers: MedGen C4310694, MONDO:0014939, OMIM 617143.
Inborn genetic diseases. Identifiers: MedGen C0950123, MeSH D030342.
SLC5A7-related disorder. Also called: SLC5A7-related condition.

Allele frequency attached by ClinVar (database versions not stated): gnomAD exomes 0.00003 and 0.00006; ExAC 0.00006; ESP Exome Variant Server 0.00008; gnomAD 0.00021 and 0.00026; TOPMed 0.00031.
gnomAD v4.1: 73 of 1,613,840 alleles (0.0045%); highest among the groups gnomAD compares: African/African-American, 0.083%; no homozygotes.

Submissions (5):

PreventionGenetics, part of Exact Sciences
Classification: Uncertain significance for SLC5A7-related condition. Last evaluated: 2026-09-03. Review status: criteria provided, single submitter. Criteria: ACMG Guidelines, 2015. Collection method: clinical testing. Allele origin: germline.
Comment: The SLC5A7 c.1177A>G variant is predicted to result in the amino acid substitution p.Thr393Ala. To our knowledge, this variant has not been reported in the literature. This variant is reported in 0.084% of alleles in individuals of African descent in gnomAD. Although we suspect that this variant may be benign, at this time, the clinical significance of this variant is uncertain due to the absence of conclusive functional and genetic evidence.

Mayo Clinic Laboratories, Mayo Clinic
Classification: Uncertain significance. Last evaluated: 2025-08-02. Review status: criteria provided, single submitter. Criteria: ACMG Guidelines, 2015. Collection method: clinical testing. Allele origin: germline. Observed: 1 variant allele.

Labcorp Genetics (formerly Invitae), Labcorp
Classification: Uncertain significance for Neuronopathy, distal hereditary motor, type 7A; Congenital myasthenic syndrome 20. Last evaluated: 2025-04-19. Review status: criteria provided, single submitter. Criteria: Invitae Variant Classification Sherloc (09022015). Collection method: clinical testing. Allele origin: germline.
Comment: This sequence change replaces threonine, which is neutral and polar, with alanine, which is neutral and non-polar, at codon 393 of the SLC5A7 protein (p.Thr393Ala). This variant is present in population databases (rs75427357, gnomAD 0.09%). This variant has not been reported in the literature in individuals affected with SLC5A7-related conditions. ClinVar contains an entry for this variant (Variation ID: 1042814). Invitae Evidence Modeling of protein sequence and biophysical properties (such as structural, functional, and spatial information, amino acid conservation, physicochemical variation, residue mobility, and thermodynamic stability) indicates that this missense variant is not expected to disrupt SLC5A7 protein function with a negative predictive value of 80%. In summary, the available evidence is currently insufficient to determine the role of this variant in disease. Therefore, it has been classified as a Variant of Uncertain Significance.

Revvity Omics, Revvity
Classification: Uncertain significance. Last evaluated: 2024-03-06. Review status: criteria provided, single submitter. Criteria: ACMG Guidelines, 2015. Collection method: clinical testing. Allele origin: germline.

Ambry Genetics
Classification: Likely benign for Inborn genetic diseases. Last evaluated: 2019-12-02. Review status: criteria provided, single submitter. Criteria: Ambry Variant Classification Scheme 2023. Collection method: clinical testing. Allele origin: germline.

NM_021815.5(SLC5A7):c.1177A>G (p.Thr393Ala)

Gene: SLC5A7 (solute carrier family 5 member 7; plus strand). Cytogenetic location: 2q12.3.
Variant type: single nucleotide variant.
Coding change: c.1177A>G on transcript NM_021815.5 (MANE Select); coding-DNA position 1177, A replaced by G.
Protein change: p.Thr393Ala; replaces threonine 393 with alanine.
Molecular consequence: missense variant.
Genome position (GRCh38, 1-based): chr2:108,010,295, A>G. VCF-style: chr2-108010295-A-G. GRCh37 (hg19) VCF-style: chr2-108626751-A-G.
Other names: p.Thr393Ala; c.1177A>G (NM_021815.4); c.1177A>G, p.Thr393Ala (NM_001305005.3); c.862A>G, p.Thr288Ala (NM_001305006.3); c.436A>G, p.Thr146Ala (NM_001305007.3); short protein forms T288A, T146A, T393A.
Identifiers: ClinVar variation 1042814 (VCV001042814.10), dbSNP rs75427357, ClinGen allele CA1819142.
Genomic context (GRCh38, chr2:108,010,295, plus strand): 5'-TCGGACAAAGAAATCGTTTGGGTTATGCGAATCACAGTGTTTGTGTTTGGAGCATCTGCA[A>G]CAGCCATGGCCTTGCTGACGAAAACTGTGTATGGGCTCTGGTACCTCAGTTCTGACCTTG-3'
Protein context (NP_068587.1, residues 383-403): ITVFVFGASA[Thr393Ala]AMALLTKTVY